The following is an entry in ClinVar:

ClinVar aggregate classification (germline): Uncertain significance (1 of 4 stars; one submission).

Conditions:
Melanoma-pancreatic cancer syndrome. Identifiers: Orphanet 404560, MedGen C1838547, MONDO:0011713, OMIM 606719. Disease mechanism: loss of function.

Allele frequency attached by ClinVar (database versions not stated): TOPMed below 0.00001.
gnomAD v4.1: 5 of 1,614,212 alleles (0.00031%); highest among the groups gnomAD compares: Non-Finnish European, 0.00042%; no homozygotes.

Submission:

St. Jude Molecular Pathology, St. Jude Children's Research Hospital
Classification: Uncertain significance for Melanoma-pancreatic cancer syndrome. Last evaluated: 2026-02-11. Review status: criteria provided, single submitter. Criteria: St. Jude Assertion Criteria 2020. Collection method: clinical testing. Allele origin: germline.
Comment: The CDKN2A c.180G>A p.(Gly60=) synonymous change is absent in gnomAD v2.1.1. Algorithms that predict the impact of sequence changes on splicing indicate that this change may create or activate a cryptic donor splice site, but RNA studies are inconclusive (internal data). To our knowledge, this variant has not been reported in individuals with CDKN2A-associated tumors. In summary, the evidence currently available is insufficient to determine the clinical significance of this variant. It has therefore been classified as of uncertain significance.

NM_000077.5(CDKN2A):c.150+30G>A

Gene: CDKN2A (cyclin dependent kinase inhibitor 2A; minus strand). Cytogenetic location: 9p21.3.
Variant type: single nucleotide variant.
Coding change: c.150+30G>A on transcript NM_000077.5 (MANE Select); 30 bases into the intron after coding-DNA position 150, G replaced by A.
Molecular consequence: intron variant. On other transcripts: synonymous variant (1).
Genome position (GRCh38, 1-based): chr9:21,974,648, C>T on the plus strand (G>A on the coding strand, the complement: CDKN2A is on the minus strand). VCF-style: chr9-21974648-C-T. GRCh37 (hg19) VCF-style: chr9-21974647-C-T.
Other names: c.180G>A, p.Gly60= (NM_058197.5); c.-3-3440G>A (NM_001363763.2); c.194-3440G>A (NM_058195.4); c.150+30G>A (NM_001195132.2).
Identifiers: ClinVar variation 3602715 (VCV003602715.2), dbSNP rs1587339368.